The following is an entry in ClinVar:

NM_170606.3(KMT2C):c.6792G>A (p.Pro2264=)

Gene: KMT2C (lysine methyltransferase 2C; minus strand). Cytogenetic location: 7q36.1.
Variant type: single nucleotide variant.
Coding change: c.6792G>A on transcript NM_170606.3 (MANE Select); coding-DNA position 6792, G replaced by A.
Protein change: p.Pro2264=; no amino-acid change (proline 2264 retained).
Molecular consequence: synonymous variant.
Genome position (GRCh38, 1-based): chr7:152,181,068, C>T on the plus strand (G>A on the coding strand, the complement: KMT2C is on the minus strand). VCF-style: chr7-152181068-C-T. GRCh37 (hg19) VCF-style: chr7-151878153-C-T.
Identifiers: ClinVar variation 1547562 (VCV001547562.16), dbSNP rs143820259, ClinGen allele CA4580012.

ClinVar aggregate classification (germline): Benign/Likely benign. Review status: criteria provided, multiple submitters, no conflicts (2 of 4 stars). 3 submissions from 3 submitters: Benign (2); Likely benign (1). Last evaluated 2025-10-01.

Allele frequency attached by ClinVar (database versions not stated): TOPMed 0.00041; 1000 Genomes Project 30x 0.00016; 1000 Genomes Project 0.00020; gnomAD 0.00037 and 0.00038; ESP Exome Variant Server 0.00038.
gnomAD v4.1: 485 of 1,614,154 alleles (0.03%); highest among the groups gnomAD compares: African/African-American, 0.028%; 3 homozygotes.

Submissions (3):

CeGaT Center for Human Genetics Tuebingen
Classification: Likely benign. Last evaluated: 2025-10-01. Review status: criteria provided, single submitter. Criteria: CeGaT Center For Human Genetics Tuebingen Variant Classification Criteria Version 2. Collection method: clinical testing. Allele origin: germline. Affected: yes. Observed: 2 variant alleles.
Comment: KMT2C: BP4, BP7

Labcorp Genetics (formerly Invitae), Labcorp
Classification: Benign. Last evaluated: 2025-04-16. Review status: criteria provided, single submitter. Criteria: Invitae Variant Classification Sherloc (09022015). Collection method: clinical testing. Allele origin: germline.

Breakthrough Genomics
Classification: Benign. Review status: criteria provided, single submitter. Criteria: ACMG Guidelines, 2015. Collection method: not provided. Allele origin: germline. Inheritance: Autosomal dominant inheritance. Affected: yes.